The following is an entry in ClinVar:

NM_016151.4(TAOK2):c.3106C>T (p.Arg1036Ter)

Gene: TAOK2 (TAO kinase 2; plus strand). Cytogenetic location: 16p11.2.
Variant type: single nucleotide variant.
Coding change: c.3106C>T on transcript NM_016151.4 (MANE Select); coding-DNA position 3106, C replaced by T.
Protein change: p.Arg1036Ter; replaces arginine 1036 with a stop codon.
Molecular consequence: nonsense. On other transcripts: intron variant (1).
Genome position (GRCh38, 1-based): chr16:29,987,378, C>T. VCF-style: chr16-29987378-C-T. GRCh37 (hg19) VCF-style: chr16-29998699-C-T.
Other names: c.2767C>T, p.Arg923Ter (NM_001252043.2); c.2232+874C>T (NM_004783.4); short protein forms R923*, R1036*.
Identifiers: ClinVar variation 2714816 (VCV002714816.3), dbSNP rs1459511676, ClinGen allele CA395498305.

ClinVar aggregate classification (germline): Uncertain significance (1 of 4 stars; one submission).

Allele frequency attached by ClinVar (database versions not stated): TOPMed below 0.00001; gnomAD exomes 0.00001.
gnomAD v4.1: 9 of 1,600,120 alleles (0.00056%); highest among the groups gnomAD compares: Admixed American, 0.0017%; no homozygotes.

Submission:

Labcorp Genetics (formerly Invitae), Labcorp
Classification: Uncertain significance. Last evaluated: 2023-12-25. Review status: criteria provided, single submitter. Criteria: Invitae Variant Classification Sherloc (09022015). Collection method: clinical testing. Allele origin: germline.
Comment: This sequence change creates a premature translational stop signal (p.Arg1036*) in the TAOK2 gene. While this is not anticipated to result in nonsense mediated decay, it is expected to disrupt the last 200 amino acid(s) of the TAOK2 protein. The frequency data for this variant in the population databases is considered unreliable, as metrics indicate poor data quality at this position in the gnomAD database. This variant has not been reported in the literature in individuals affected with TAOK2-related conditions. In summary, the available evidence is currently insufficient to determine the role of this variant in disease. Therefore, it has been classified as a Variant of Uncertain Significance.